The following is an entry in ClinVar:

NM_015506.3(MMACHC):c.346C>G (p.Leu116Val)

Gene: MMACHC (metabolism of cobalamin associated C; plus strand). Cytogenetic location: 1p34.1.
Variant type: single nucleotide variant.
Coding change: c.346C>G on transcript NM_015506.3 (MANE Select); coding-DNA position 346, C replaced by G.
Protein change: p.Leu116Val; replaces leucine 116 with valine.
Molecular consequence: missense variant.
Genome position (GRCh38, 1-based): chr1:45,508,281, C>G. VCF-style: chr1-45508281-C-G. GRCh37 (hg19) VCF-style: chr1-45973953-C-G.
Other names: c.175C>G, p.Leu59Val (NM_001330540.2); short protein forms L116V, L59V.
Identifiers: ClinVar variation 1525862 (VCV001525862.6), dbSNP rs2149323564, ClinGen allele CA340132231.

ClinVar aggregate classification (germline): Likely pathogenic (1 of 4 stars; one submission).

Conditions:
Cobalamin C disease. Also called: Methylmalonic aciduria and homocystinuria, Vitamin B12-responsive; Vitamin B12 metabolic defect with combined deficiency of methylmalonyl-CoA mutase and homocysteine:methyltetrahydrofolate methyltransferase; methylmalonic aciduria and homocystinuria type cblC; Cobalamin-C methylmalonic acidemia and homocystinuria; Methylmalonic acidemia and homocystinuria cblC type; Methylmalonic aciduria with homocystinuria cblC type. Identifiers: Orphanet 26, Orphanet 79282, MedGen C1848561, MONDO:0010184, OMIM 277400.

gnomAD v4.1: 1 of 1,614,212 alleles (0.000062%); highest among the groups gnomAD compares: African/African-American, 0.0013%; no homozygotes.

Submission:

Labcorp Genetics (formerly Invitae), Labcorp
Classification: Likely pathogenic for Cobalamin C disease. Last evaluated: 2023-02-08. Review status: criteria provided, single submitter. Criteria: Invitae Variant Classification Sherloc (09022015). Collection method: clinical testing. Allele origin: germline.
Comment: In summary, the currently available evidence indicates that the variant is pathogenic, but additional data are needed to prove that conclusively. Therefore, this variant has been classified as Likely Pathogenic. This variant disrupts the p.Leu116 amino acid residue in MMACHC. Other variant(s) that disrupt this residue have been determined to be pathogenic (PMID: 14568819, 16311595, 18245139, 20631720, 20924684). This suggests that this residue is clinically significant, and that variants that disrupt this residue are likely to be disease-causing. Algorithms developed to predict the effect of missense changes on protein structure and function (SIFT, PolyPhen-2, Align-GVGD) all suggest that this variant is likely to be disruptive. ClinVar contains an entry for this variant (Variation ID: 1525862). This variant has not been reported in the literature in individuals affected with MMACHC-related conditions. This variant is not present in population databases (gnomAD no frequency). This sequence change replaces leucine, which is neutral and non-polar, with valine, which is neutral and non-polar, at codon 116 of the MMACHC protein (p.Leu116Val).

Literature cited by the submitters: PubMed 14568819; PubMed 16311595; PubMed 18245139; PubMed 20631720; PubMed 20924684.